The following is an entry in ClinVar:

NM_000414.4(HSD17B4):c.1484A>G (p.Asp495Gly)

Gene: HSD17B4 (hydroxysteroid 17-beta dehydrogenase 4; plus strand). Cytogenetic location: 5q23.1.
Variant type: single nucleotide variant.
Coding change: c.1484A>G on transcript NM_000414.4 (MANE Select); coding-DNA position 1484, A replaced by G.
Protein change: p.Asp495Gly; replaces aspartic acid 495 with glycine.
Molecular consequence: missense variant. On other transcripts: non-coding transcript variant (2).
Genome position (GRCh38, 1-based): chr5:119,515,027, A>G. VCF-style: chr5-119515027-A-G. GRCh37 (hg19) VCF-style: chr5-118850722-A-G.
Other names: c.1484A>G (NM_000414.3); c.1559A>G, p.Asp520Gly (NM_001199291.3); c.1430A>G, p.Asp477Gly (NM_001199292.2); c.1412A>G, p.Asp471Gly (NM_001292027.2, NM_001374498.1); c.1064A>G, p.Asp355Gly (NM_001292028.2); c.1475A>G, p.Asp492Gly (NM_001374497.1); c.1157A>G, p.Asp386Gly (NM_001374499.1); c.1043A>G, p.Asp348Gly (NM_001374500.1); and 1 more; short protein forms D348G, D355G, D358G, D386G, D471G, D477G, D492G, D495G.
Identifiers: ClinVar variation 1676487 (VCV001676487.6), dbSNP rs755720085, ClinGen allele CA3382282.
Genomic context (GRCh38, chr5:119,515,027, plus strand): 5'-TGTCTTAATTTTAGGTAGCTGTAGCCATACCTAATAGACCTCCTGATGCTGTACTTACAG[A>G]TACCACCTCTCTTAATCAGGTAAGATTGTATTTTTGAAAAATGATAAATCCACCTGGTTG-3'
Protein context (NP_000405.1, residues 485-505): PNRPPDAVLT[Asp495Gly]TTSLNQAALY

ClinVar aggregate classification (germline): Uncertain significance. Review status: criteria provided, multiple submitters, no conflicts (2 of 4 stars). 3 submissions from 3 submitters: Uncertain significance (3). Last evaluated 2024-08-16.

Conditions:
Inborn genetic diseases. Identifiers: MedGen C0950123, MeSH D030342.

gnomAD v4.1: 13 of 1,583,338 alleles (0.00082%); highest among the groups gnomAD compares: Non-Finnish European, 0.001%; no homozygotes.

Submissions (3):

GeneDx
Classification: Uncertain significance. Last evaluated: 2024-08-16. Review status: criteria provided, single submitter. Criteria: GeneDx Variant Classification Process June 2021. Collection method: clinical testing. Allele origin: germline. Affected: yes.
Comment: Not observed at significant frequency in large population cohorts (gnomAD); In silico analysis supports that this missense variant has a deleterious effect on protein structure/function; Has not been previously published as pathogenic or benign to our knowledge; In silico analysis suggests this variant may impact gene splicing. In the absence of RNA/functional studies, the actual effect of this sequence change is unknown.

Ambry Genetics
Classification: Uncertain significance for Inborn genetic diseases. Last evaluated: 2023-03-20. Review status: criteria provided, single submitter. Criteria: Ambry Variant Classification Scheme 2023. Collection method: clinical testing. Allele origin: germline.

Greenwood Genetic Center Diagnostic Laboratories, Greenwood Genetic Center
Classification: Uncertain significance. Last evaluated: 2022-03-14. Review status: criteria provided, single submitter. Criteria: ACMG Guidelines, 2015. Collection method: clinical testing. Allele origin: germline. Affected: yes.
Comment: PM2 PM3